The following is an entry in ClinVar:

ClinVar aggregate classification (germline): Uncertain significance. Review status: criteria provided, single submitter (1 of 4 stars). 2 submissions from 2 submitters: Uncertain significance (1). 1 of the submissions does not count toward it. Last evaluated 2022-09-19.

Conditions:
Anauxetic dysplasia. Identifiers: Orphanet 93347, MedGen C1846796, MONDO:0011773.
Metaphyseal chondrodysplasia, McKusick type (CHH). Also called: Cartilage-hair hypoplasia; Cartilage-Hair Hypoplasia (CHH). Identifiers: Orphanet 175, MedGen C0220748, MONDO:0009595, OMIM 250250.

Allele frequency attached by ClinVar (database versions not stated): gnomAD exomes 0.00001; gnomAD 0.00002; TOPMed 0.00003.
gnomAD v4.1: 9 of 700,316 alleles (0.0013%); highest among the groups gnomAD compares: East Asian, 0.0027%; no homozygotes.

Submissions (2):

Labcorp Genetics (formerly Invitae), Labcorp
Classification: Uncertain significance for Anauxetic dysplasia. Last evaluated: 2022-09-19. Review status: criteria provided, single submitter. Criteria: Invitae Variant Classification Sherloc (09022015). Collection method: clinical testing. Allele origin: germline.
Comment: This variant occurs in the RMRP gene, which encodes an RNA molecule that does not result in a protein product. This variant is not present in population databases (gnomAD no frequency). This variant has not been reported in the literature in individuals affected with RMRP-related conditions. ClinVar contains an entry for this variant (Variation ID: 991664). Experimental studies and prediction algorithms are not available or were not evaluated, and the functional significance of this variant is currently unknown. In summary, the available evidence is currently insufficient to determine the role of this variant in disease. Therefore, it has been classified as a Variant of Uncertain Significance.

Natera, Inc.
Classification: Uncertain significance for Cartilage-hair hypoplasia. Last evaluated: 2020-09-04. Review status: no assertion criteria provided. Collection method: clinical testing. Allele origin: germline. Not counted in ClinVar's aggregate classification.

NR_003051.4(RMRP):n.60T>C

Gene: RMRP (RNA component of mitochondrial RNA processing endoribonuclease; minus strand). Cytogenetic location: 9p13.3.
Variant type: single nucleotide variant.
Genome position: GRCh38 VCF-style: chr9-35657960-A-G. GRCh37 (hg19) VCF-style: chr9-35657957-A-G.
Identifiers: ClinVar variation 991664 (VCV000991664.4), dbSNP rs1040824418, ClinGen allele CA192745669.
Genomic context (GRCh38, chr9:35,657,960, plus strand): 5'-TCTACGTGCGTATGCACGTGGCACTCTCTGCCCGAGGTCCGGGGACTTTCCCCTAGGCGG[A>G]AAGGGGAGGAACAGAGTCCTCAGTGTGTAGCCTAGGATACAGGCCTTCAGCACGAACCAC-3'